The following is an entry in ClinVar:

NM_138369.3(BOD1):c.555del (p.Ter186LysextTer?)

Gene: BOD1 (biorientation of chromosomes in cell division 1; minus strand). Cytogenetic location: 5q35.2.
Variant type: Deletion.
Coding change: c.555del on transcript NM_138369.3 (MANE Select); coding-DNA position 555, one base deleted (C; older notation c.555delC).
Protein change: p.Ter186LysextTer?.
Molecular consequence: frameshift variant. On other transcripts: non-coding transcript variant (4), intron variant (1).
Genome position (GRCh38, 1-based): chr5:173,609,242, G deleted on the plus strand (C on the coding strand, the reverse complement: BOD1 is on the minus strand); the first of 2 consecutive G bases (chr5:173,609,242-173,609,243); deleting either gives the same sequence. VCF-style (leftmost placement, unchanged base first): chr5-173609241-AG-A. GRCh37 (hg19) VCF-style: chr5-173036244-AG-A.
Other names: c.363-950del (NM_001159651.3).
Identifiers: ClinVar variation 3047505 (VCV003047505.2), dbSNP rs77149540, ClinGen allele CA3564184.

ClinVar aggregate classification (germline): Likely benign (0 of 4 stars; one submission).

Conditions:
BOD1-related disorder. Also called: BOD1-related condition.

Submission:

PreventionGenetics, part of Exact Sciences
Classification: Likely benign for BOD1-related condition. Last evaluated: 2022-04-01. Review status: no assertion criteria provided. Collection method: clinical testing. Allele origin: germline.
Comment: This variant is classified as likely benign based on ACMG/AMP sequence variant interpretation guidelines (Richards et al. 2015 PMID: 25741868, with internal and published modifications).